The following is an entry in ClinVar:

ClinVar aggregate classification (germline): Pathogenic/Likely pathogenic. Review status: criteria provided, multiple submitters, no conflicts (2 of 4 stars). 12 submissions from 12 submitters: Pathogenic (5); Likely pathogenic (7). Last evaluated 2026-09-14.

Conditions:
Hereditary breast ovarian cancer syndrome. Also called: BRCA1- and BRCA2-Associated Hereditary Breast and Ovarian Cancer; Hereditary breast and ovarian cancer syndrome; Hereditary breast and ovarian cancer syndrome (HBOC); Hereditary breast and ovarian cancer; Breast and ovarian cancer; Hereditary breast and/or ovarian cancer syndrome. Identifiers: Orphanet 145, MedGen C0677776, MeSH D061325, MONDO:0003582. Disease mechanism: loss of function.
Bloom syndrome (BLM). Also called: Bloom-Torre-Machacek syndrome. Identifiers: Orphanet 125, MedGen C0005859, MONDO:0008876, OMIM 210900.
BLM-related disorder. Also called: BLM-related condition.
Hereditary cancer-predisposing syndrome. Also called: Tumor predisposition; Neoplastic Syndromes, Hereditary; Hereditary Cancer Syndrome; Hereditary neoplastic syndrome. Identifiers: Orphanet 140162, MedGen C0027672, MeSH D009386, MONDO:0015356.

Submissions (12):

Myriad Genetics, Inc.
Classification: Pathogenic for Bloom syndrome. Last evaluated: 2026-09-14. Review status: criteria provided, single submitter. Criteria: Myriad Autosomal Dominant, Autosomal Recessive and X-Linked Classification Criteria (2023). Collection method: clinical testing. Allele origin: unknown.
Comment: This variant is considered pathogenic. This variant creates a frameshift predicted to result in premature protein truncation.

Women's Health and Genetics/Laboratory Corporation of America, LabCorp
Classification: Pathogenic for Bloom syndrome. Last evaluated: 2025-12-12. Review status: criteria provided, single submitter. Criteria: LabCorp Variant Classification Summary - May 2015. Collection method: clinical testing. Allele origin: germline.
Comment: Variant summary: BLM c.320dupT (p.Leu107PhefsX36) results in a premature termination codon, predicted to cause a truncation of the encoded protein or absence of the protein due to nonsense mediated decay, which are commonly known mechanisms for disease. The variant allele was found at a frequency of 1.2e-05 in 251250 control chromosomes. To our knowledge, no occurrence of c.320dupT in individuals affected with BLM-related conditions and no experimental evidence demonstrating its impact on protein function have been reported. The following publications have been ascertained in the context of this evaluation (PMID: 31118792, 36315097, 35014770, 30840646, 26247052, 28724667, 36591485, 37791908, 35314707, 34793666, 36999792, 32566746, 32868804, 33789101, 39493880). ClinVar contains an entry for this variant (Variation ID: 405281). Based on the evidence outlined above, the variant was classified as pathogenic.

Variantyx, Inc.
Classification: Likely pathogenic for Bloom syndrome. Last evaluated: 2025-08-21. Review status: criteria provided, single submitter. Criteria: Variantyx Assertion Criteria 2022. Collection method: clinical testing. Allele origin: germline. Inheritance: Autosomal recessive inheritance. Affected: no.
Comment: This is a frameshift variant in the BLM gene (OMIM: 604610). Pathogenic variants in this gene have been associated with autosomal recessive Bloom syndrome. This variant introduces a premature termination codon in exon 3 out of 22 and is expected to result in loss of function, which is a known disease mechanism for BLM in this disorder (PVS1) (PMID:7585968) This variant has a 0.0245% maximum allele frequency in non-founder control populations (PM2). Based on the current evidence, this variant is classified as likely pathogenic for autosomal recessive Bloom syndrome.

Natera, Inc.
Classification: Likely pathogenic for Bloom syndrome. Last evaluated: 2025-06-15. Review status: criteria provided, single submitter. Criteria: Natera Variant Classification Schema (03/2026). Collection method: clinical testing. Allele origin: germline.
Comment: The c.320dupT variant in BLM is a frameshift variant predicted to shift the reading frame beginning at codon 107 and leads to a stop codon 36 codons downstream. This variant is expected to result in nonsense mediated decay, truncation, or a dysfunctional protein product. This variant is rare in the general population with a frequency below the threshold expected for the associated phenotype(s). Given the available evidence, this variant is classified as Likely Pathogenic.

Labcorp Genetics (formerly Invitae), Labcorp
Classification: Pathogenic for Bloom syndrome. Last evaluated: 2025-01-23. Review status: criteria provided, single submitter. Criteria: Invitae Variant Classification Sherloc (09022015). Collection method: clinical testing. Allele origin: germline.
Comment: This sequence change creates a premature translational stop signal (p.Leu107Phefs*36) in the BLM gene. It is expected to result in an absent or disrupted protein product. Loss-of-function variants in BLM are known to be pathogenic (PMID: 17407155). This variant is present in population databases (rs781221411, gnomAD 0.02%). This variant has not been reported in the literature in individuals affected with BLM-related conditions. ClinVar contains an entry for this variant (Variation ID: 405281). For these reasons, this variant has been classified as Pathogenic.

Ambry Genetics
Classification: Pathogenic for Hereditary cancer-predisposing syndrome. Last evaluated: 2024-08-30. Review status: criteria provided, single submitter. Criteria: Ambry Variant Classification Scheme 2023. Collection method: clinical testing. Allele origin: germline.
Comment: The c.320dupT pathogenic mutation, located in coding exon 2 of the BLM gene, results from a duplication of T at nucleotide position 320, causing a translational frameshift with a predicted alternate stop codon (p.L107Ffs*36). This variant has been detected as heterozygous in patients with colorectal cancer and acute myeloid leukemia (Gong R et al. Cancer Manag Res. 2019 Apr;11:3721-3739, Kim B et al. PLoS ONE. 2019 Mar;14:e0212228). In addition to the clinical data presented in the literature, this alteration is expected to result in loss of function by premature protein truncation or nonsense-mediated mRNA decay. As such, this alteration is interpreted as a disease-causing mutation.

Fulgent Genetics
Classification: Likely pathogenic for Bloom syndrome. Last evaluated: 2024-05-23. Review status: criteria provided, single submitter. Criteria: ACMG Guidelines, 2015. Collection method: clinical testing. Allele origin: germline.

Baylor Genetics
Classification: Pathogenic for Bloom syndrome. Last evaluated: 2024-01-09. Review status: criteria provided, single submitter. Criteria: ACMG Guidelines, 2015. Collection method: clinical testing. Allele origin: unknown.

Blueprint Genetics
Classification: Likely pathogenic for BLM-related disorders. Last evaluated: 2021-12-13. Review status: criteria provided, single submitter. Criteria: ACMG Guidelines, 2015. Collection method: clinical testing. Allele origin: germline. Affected: yes. Observed: 3 variant alleles.

Sema4
Classification: Likely pathogenic for Hereditary cancer-predisposing syndrome. Last evaluated: 2021-04-23. Review status: criteria provided, single submitter. Criteria: Sema4 Curation Guidelines. Collection method: curation. Allele origin: germline.
Comment: The BLM c.320dupT (p.L107FfsX36) variant has been reported in heterozygosity in at least five individuals with hereditary breast and/or ovarian cancer, in at least one individual with acute myeloid leukemia, and in at least two individuals with colorectal cancer (PMID: 28724667, 32566746, 32868804, 31118792). It is also known as c.319dupT in the literature. This variant causes a frameshift at amino acid 107 that results in premature termination 36 amino acids downstream. At this location, this is predicted to cause nonsense-mediated decay and result in an absent protein (loss of function). It was observed in 3/18386 chromosomes in the East Asian subpopulation in the Genome Aggregation Database (PMID: 32461654). The variant has been reported in ClinVar (Variation ID: 405281). Based on the current evidence available, this variant is interpreted as likely pathogenic.

Cancer Genomics Group, Japanese Foundation For Cancer Research
Classification: Likely pathogenic for Hereditary breast and ovarian cancer syndrome. Last evaluated: 2019-05-01. Review status: criteria provided, single submitter. Criteria: ACMG Guidelines, 2015. Collection method: research. Allele origin: germline. Affected: yes.

Juno Genomics, Hangzhou Juno Genomics, Inc
Classification: Likely pathogenic for Bloom syndrome. Review status: criteria provided, single submitter. Criteria: ACMG Guidelines, 2015. Collection method: clinical testing. Allele origin: germline.
Comment: Null variant in a gene where loss of function (LOF) is a known mechanism of disease.;Absent from controls (or at extremely low frequency if recessive) in Genome Aggregation Database.

Literature cited by the submitters: PubMed 26247052 (cited by Women's Health and Genetics/Laboratory Corporation of America, LabCorp); PubMed 28724667 (cited by Women's Health and Genetics/Laboratory Corporation of America, LabCorp and Sema4); PubMed 30840646 (cited by Women's Health and Genetics/Laboratory Corporation of America, LabCorp and Ambry Genetics); PubMed 31118792 (cited by 3 submitters); PubMed 32566746 (cited by Women's Health and Genetics/Laboratory Corporation of America, LabCorp and Sema4); PubMed 34793666 (cited by Women's Health and Genetics/Laboratory Corporation of America, LabCorp); PubMed 35314707 (cited by Women's Health and Genetics/Laboratory Corporation of America, LabCorp); PubMed 33789101 (cited by Women's Health and Genetics/Laboratory Corporation of America, LabCorp); PubMed 36315097 (cited by Women's Health and Genetics/Laboratory Corporation of America, LabCorp); PubMed 37791908 (cited by Women's Health and Genetics/Laboratory Corporation of America, LabCorp); PubMed 32868804 (cited by Women's Health and Genetics/Laboratory Corporation of America, LabCorp and Sema4); PubMed 36999792 (cited by Women's Health and Genetics/Laboratory Corporation of America, LabCorp); PubMed 36591485 (cited by Women's Health and Genetics/Laboratory Corporation of America, LabCorp); PubMed 35014770 (cited by Women's Health and Genetics/Laboratory Corporation of America, LabCorp); PubMed 39493880 (cited by Women's Health and Genetics/Laboratory Corporation of America, LabCorp); PubMed 7585968 (cited by Variantyx, Inc.); PubMed 17407155 (cited by Labcorp Genetics (formerly Invitae), Labcorp).

NM_000057.4(BLM):c.320dup (p.Leu107fs)

Gene: BLM (BLM RecQ like helicase; plus strand). Cytogenetic location: 15q26.1.
Variant type: Duplication.
Coding change: c.320dup on transcript NM_000057.4 (MANE Select); coding-DNA position 320, one base duplicated (T; older notation c.320dupT).
Protein change: p.Leu107fs; shifts the reading frame from leucine 107.
Molecular consequence: frameshift variant. On other transcripts: 5 prime UTR variant (1).
Genome position (GRCh38, 1-based): chr15:90,749,588, T duplicated; the last of 2 consecutive T bases (chr15:90,749,587-90,749,588); duplicating either gives the same sequence. VCF-style (leftmost placement, unchanged base first): chr15-90749586-A-AT. GRCh37 (hg19) VCF-style: chr15-91292816-A-AT.
Other names: c.320dup, p.Leu107fs (NM_001287246.2, NM_001287247.2); c.-972dup (NM_001287248.2); c.320dupT (NM_000057.4); c.319dup (NM_000057.4); short protein forms L107fs.
Identifiers: ClinVar variation 405281 (VCV000405281.28), dbSNP rs781221411, ClinGen allele CA7738276.
Genomic context (GRCh38, chr15:90,749,586, plus strand): 5'-CAAGGACTTCTTTAAAAATGCTCCAGCAGGACAGGAAACACAGAGAGGTGGATCAAAATC[A>AT]TTATTGCCAGATTTCTTGCAGACTCCGAAGGAAGTTGTATGCACTACCCAAAACACACCA-3'